The following is an entry in ClinVar:

NM_001267550.2(TTN):c.17833T>C (p.Ser5945Pro)

Gene: TTN (titin; minus strand). Cytogenetic location: 2q31.2.
Variant type: single nucleotide variant.
Coding change: c.17833T>C on transcript NM_001267550.2 (MANE Select); coding-DNA position 17833, T replaced by C.
Protein change: p.Ser5945Pro; replaces serine 5945 with proline.
Molecular consequence: missense variant. On other transcripts: intron variant (3).
Genome position (GRCh38, 1-based): chr2:178,730,700, A>G on the plus strand (T>C on the coding strand, the complement: TTN is on the minus strand). VCF-style: chr2-178730700-A-G. GRCh37 (hg19) VCF-style: chr2-179595427-A-G.
Other names: c.16882T>C, p.Ser5628Pro (NM_001256850.1); c.14101T>C, p.Ser4701Pro (NM_133378.4); c.13282+7382T>C (NM_003319.4); c.13858+7382T>C (NM_133437.4); c.13657+7382T>C (NM_133432.3); short protein forms S4701P, S5945P, S5628P.
Identifiers: ClinVar variation 496946 (VCV000496946.17), dbSNP rs776790387, ClinGen allele CA2001734.
Genomic context (GRCh38, chr2:178,730,700, plus strand): 5'-ACTTTTCACTAGCTGATATTTCTTGGTCATCTTTGAACCACTGGATGCTTATGGGATGTG[A>G]CCCAGCCACTATACATTCTAAATCAATGAAAGAACCTTTAATGCTGTCCATTTTCTTCAG-3'
Protein context (NP_001254479.2, residues 5935-5955): FIDLECIVAG[Ser5945Pro]HPISIQWFKD

ClinVar aggregate classification (germline): Conflicting classifications of pathogenicity. Review status: criteria provided, conflicting classifications (1 of 4 stars). 12 submissions from 8 submitters: Uncertain significance (7); Benign (1); Likely benign (2). 2 of the submissions do not count toward it. Last evaluated 2025-07-02.

Conditions:
TTN-related disorder. Also called: TTN-related condition; TTN-related disease; TTN-related disorders.
Cardiomyopathy (CMYO). Also called: Cardiomyopathies. Identifiers: Orphanet 167848, MedGen C0878544, MONDO:0004994, HP:0001638. Inheritance: Various modes of inheritance.
Tibial muscular dystrophy (TMD). Also called: Tibial muscular dystrophy, tardive; UDD MYOPATHY; Udd Distal Myopathy – Tibial Muscular Dystrophy. Identifiers: Orphanet 609, MedGen C1838244, MONDO:0010870, OMIM 600334.
Dilated cardiomyopathy 1G (CMD1G). Identifiers: Orphanet 154, MedGen C1858763, MONDO:0011400, OMIM 604145.
Early-onset myopathy with fatal cardiomyopathy (CMYO5). Also called: Salih Myopathy; CONGENITAL MYOPATHY 5 WITH CARDIOMYOPATHY. Identifiers: Orphanet 289377, MedGen C2673677, MONDO:0012714, OMIM 611705. Disease mechanism: loss of function.
Myopathy, myofibrillar, 9, with early respiratory failure (MFM9). Also called: EDSTROM MYOPATHY; Myopathy, distal, with early respiratory failure, autosomal dominant; Hereditary myopathy with early respiratory failure; MYOPATHY, PROXIMAL, WITH EARLY RESPIRATORY MUSCLE INVOLVEMENT. Identifiers: Orphanet 178464, Orphanet 34521, MedGen C1863599, MONDO:0011362, OMIM 603689.
Autosomal recessive limb-girdle muscular dystrophy type 2J (LGMDR10). Also called: Limb-girdle muscular dystrophy, type 2J; MUSCULAR DYSTROPHY, LIMB-GIRDLE, AUTOSOMAL RECESSIVE 10. Identifiers: Orphanet 140922, MedGen C1837342, MONDO:0012127, OMIM 608807.

Allele frequency attached by ClinVar (database versions not stated): gnomAD exomes 0.00003 and 0.00007; gnomAD 0.00004; TOPMed 0.00004.
gnomAD v4.1: 106 of 1,612,586 alleles (0.0066%); highest among the groups gnomAD compares: Non-Finnish European, 0.0087%; no homozygotes.

Submissions (12):

PreventionGenetics, part of Exact Sciences
Classification: Uncertain significance for TTN-related condition. Last evaluated: 2025-07-02. Review status: criteria provided, single submitter. Criteria: ACMG Guidelines, 2015. Collection method: clinical testing. Allele origin: germline.
Comment: The TTN c.17833T>C variant is predicted to result in the amino acid substitution p.Ser5945Pro. This variant has been reported as a variant of uncertain significance in an individual with unspecified cardiomyopathy (described as p.Ser4701Pro in online supplementary file 2, van Lint et al. 2019. PubMed ID: 30847666). This variant is reported in 0.0064% of alleles in individuals of European (Non-Finnish) descent in gnomAD. At this time, the clinical significance of this variant is uncertain due to the absence of conclusive functional and genetic evidence.

Revvity Omics, Revvity
Classification: Uncertain significance. Last evaluated: 2023-05-02. Review status: criteria provided, single submitter. Criteria: ACMG Guidelines, 2015. Collection method: clinical testing. Allele origin: germline.

GeneDx
Classification: Likely benign. Last evaluated: 2020-11-03. Review status: criteria provided, single submitter. Criteria: GeneDx Variant Classification Process June 2021. Collection method: clinical testing. Allele origin: germline. Affected: yes.
Comment: This variant is associated with the following publications: (PMID: 30847666)

Illumina Laboratory Services, Illumina
Classification: Uncertain significance for Dilated cardiomyopathy 1G. Last evaluated: 2018-01-13. Review status: criteria provided, single submitter. Criteria: ICSL Variant Classification Criteria 13 December 2019. Collection method: clinical testing. Allele origin: germline.

Illumina Laboratory Services, Illumina
Classification: Benign for Tibial muscular dystrophy. Last evaluated: 2018-01-13. Review status: criteria provided, single submitter. Criteria: ICSL Variant Classification Criteria 13 December 2019. Collection method: clinical testing. Allele origin: germline.
Comment: This variant was observed in the ICSL laboratory as part of a predisposition screen in an ostensibly healthy population. It had not been previously curated by ICSL or reported in the Human Gene Mutation Database (HGMD: prior to June 1st, 2018), and was therefore a candidate for classification through an automated scoring system. Utilizing variant allele frequency, disease prevalence and penetrance estimates, and inheritance mode, an automated score was calculated to assess if this variant is too frequent to cause the disease. Based on the score and internal cut-off values, a variant classified as benign is not then subjected to further curation. The score for this variant resulted in a classification of benign for this disease.

Illumina Laboratory Services, Illumina
Classification: Uncertain significance for Early-onset myopathy with fatal cardiomyopathy. Last evaluated: 2018-01-13. Review status: criteria provided, single submitter. Criteria: ICSL Variant Classification Criteria 13 December 2019. Collection method: clinical testing. Allele origin: germline.

Illumina Laboratory Services, Illumina
Classification: Uncertain significance for Autosomal recessive limb-girdle muscular dystrophy type 2J. Last evaluated: 2018-01-13. Review status: criteria provided, single submitter. Criteria: ICSL Variant Classification Criteria 13 December 2019. Collection method: clinical testing. Allele origin: germline.

Illumina Laboratory Services, Illumina
Classification: Likely benign for Myopathy, myofibrillar, 9, with early respiratory failure. Last evaluated: 2018-01-13. Review status: criteria provided, single submitter. Criteria: ICSL Variant Classification Criteria 13 December 2019. Collection method: clinical testing. Allele origin: germline.
Comment: This variant was observed in the ICSL laboratory as part of a predisposition screen in an ostensibly healthy population. It had not been previously curated by ICSL or reported in the Human Gene Mutation Database (HGMD: prior to June 1st, 2018), and was therefore a candidate for classification through an automated scoring system. Utilizing variant allele frequency, disease prevalence and penetrance estimates, and inheritance mode, an automated score was calculated to assess if this variant is too frequent to cause the disease. Based on the score and internal cut-off values, a variant classified as likely benign is not then subjected to further curation. The score for this variant resulted in a classification of likely benign for this disease.

CHEO Genetics Diagnostic Laboratory, Children's Hospital of Eastern Ontario
Classification: Uncertain significance for Cardiomyopathy. Last evaluated: 2017-08-31. Review status: criteria provided, single submitter. Criteria: ACMG Guidelines, 2015. Collection method: clinical testing. Allele origin: germline. Study: Canadian Open Genetics Repository.

Eurofins Ntd Llc (ga)
Classification: Uncertain significance. Last evaluated: 2017-01-13. Review status: criteria provided, single submitter. Criteria: EGL Classification Definitions 2015. Collection method: clinical testing. Allele origin: germline. Observed: 4 variant alleles, 4 heterozygotes.

Clinical Genetics, Academic Medical Center
Classification: Uncertain significance. Review status: no assertion criteria provided. Collection method: clinical testing. Allele origin: germline. Affected: yes. Study: VKGL Data-share Consensus. Not counted in ClinVar's aggregate classification.

Laboratory of Diagnostic Genome Analysis, Leiden University Medical Center (LUMC)
Classification: Uncertain significance. Review status: no assertion criteria provided. Collection method: clinical testing. Allele origin: germline. Affected: yes. Study: VKGL Data-share Consensus. Not counted in ClinVar's aggregate classification.